The following is an entry in ClinVar:

ClinVar aggregate classification (germline): Uncertain significance. Review status: criteria provided, multiple submitters, no conflicts (2 of 4 stars). 4 submissions from 4 submitters: Uncertain significance (4). Last evaluated 2025-06-20.

Allele frequency attached by ClinVar (database versions not stated): gnomAD exomes 0.00002; gnomAD 0.00005 and 0.00006; ExAC 0.00002; TOPMed 0.00006.
gnomAD v4.1: 17 of 1,614,066 alleles (0.0011%); highest among the groups gnomAD compares: African/African-American, 0.016%; no homozygotes.

Submissions (4):

GeneDx
Classification: Uncertain significance. Last evaluated: 2025-06-20. Review status: criteria provided, single submitter. Criteria: GeneDx Variant Classification Process June 2021. Collection method: clinical testing. Allele origin: germline. Affected: yes.
Comment: Reported in a proband with normal mental status and confluent white matter lesions on brain MRI (PMID: 22006983); In silico analysis supports that this missense variant has a deleterious effect on protein structure/function; This variant is associated with the following publications: (PMID: 37237429, 22006983)

Women's Health and Genetics/Laboratory Corporation of America, LabCorp
Classification: Uncertain significance. Last evaluated: 2023-07-03. Review status: criteria provided, single submitter. Criteria: LabCorp Variant Classification Summary - May 2015. Collection method: clinical testing. Allele origin: germline.
Comment: Variant summary: NOTCH3 c.5467G>A (p.Asp1823Asn) results in a conservative amino acid change located in the Ankyrin repeat (IPR002110) of the encoded protein sequence. Three of five in-silico tools predict a benign effect of the variant on protein function. The variant allele was found at a frequency of 2e-05 in 251428 control chromosomes (gnomAD). The available data on variant occurrences in the general population are insufficient to allow any conclusion about variant significance. c.5467G>A has been reported in the literature in one individual affected with white matter lesions without evidence for causality (Schmidt_2011). This report does not provide unequivocal conclusions about association of the variant with NOTCH3-Related Disorders. To our knowledge, no experimental evidence demonstrating an impact on protein function has been reported. The following publication have been ascertained in the context of this evaluation (PMID: 22006983). One ClinVar submitter has assessed the variant since 2014, and classified the variant as uncertain significance. Based on the evidence outlined above, the variant was classified as uncertain significance.

Athena Diagnostics
Classification: Uncertain significance. Last evaluated: 2020-08-27. Review status: criteria provided, single submitter. Criteria: Athena Diagnostics criteria. Collection method: clinical testing. Allele origin: unknown.

Blueprint Genetics
Classification: Uncertain significance. Last evaluated: 2019-12-17. Review status: criteria provided, single submitter. Criteria: ACMG Guidelines, 2015. Collection method: clinical testing. Allele origin: germline.

Literature cited by the submitters: PubMed 22006983 (cited by Women's Health and Genetics/Laboratory Corporation of America, LabCorp and Athena Diagnostics).

NM_000435.3(NOTCH3):c.5467G>A (p.Asp1823Asn)

Gene: NOTCH3 (notch receptor 3; minus strand). Cytogenetic location: 19p13.12.
Variant type: single nucleotide variant.
Coding change: c.5467G>A on transcript NM_000435.3 (MANE Select); coding-DNA position 5467, G replaced by A.
Protein change: p.Asp1823Asn; replaces aspartic acid 1823 with asparagine.
Molecular consequence: missense variant.
Genome position (GRCh38, 1-based): chr19:15,165,987, C>T on the plus strand (G>A on the coding strand, the complement: NOTCH3 is on the minus strand). VCF-style: chr19-15165987-C-T. GRCh37 (hg19) VCF-style: chr19-15276798-C-T.
Other names: short protein forms D1823N.
Identifiers: ClinVar variation 994565 (VCV000994565.5), dbSNP rs763602970, ClinGen allele CA9262618.